The following is an entry in ClinVar:

NM_003620.4(PPM1D):c.1789C>T (p.Gln597Ter)

Gene: PPM1D (protein phosphatase, Mg2+/Mn2+ dependent 1D; plus strand). Cytogenetic location: 17q23.2.
Variant type: single nucleotide variant.
Coding change: c.1789C>T on transcript NM_003620.4 (MANE Select); coding-DNA position 1789, C replaced by T.
Protein change: p.Gln597Ter; replaces glutamine 597 with a stop codon.
Molecular consequence: nonsense.
Genome position (GRCh38, 1-based): chr17:60,663,523, C>T. VCF-style: chr17-60663523-C-T. GRCh37 (hg19) VCF-style: chr17-58740884-C-T.
Other names: short protein forms Q597*.
Identifiers: ClinVar variation 3341023 (VCV003341023.2).

ClinVar aggregate classification (germline): Uncertain significance. Review status: criteria provided, multiple submitters, no conflicts (2 of 4 stars). 2 submissions from 2 submitters: Uncertain significance (2). Last evaluated 2023-11-27.

Submissions (2):

GeneDx
Classification: Uncertain significance. Last evaluated: 2023-11-27. Review status: criteria provided, single submitter. Criteria: GeneDx Variant Classification Process June 2021. Collection method: clinical testing. Allele origin: germline. Affected: yes.
Comment: Not observed at significant frequency in large population cohorts (gnomAD); Nonsense variant predicted to result in protein truncation as the last 9 amino acids are lost, although loss-of-function variants have not been reported downstream of this position in the protein; Has not been previously published as pathogenic or benign to our knowledge; This variant is associated with the following publications: (PMID: 27535533)

Blueprint Genetics
Classification: Uncertain significance. Last evaluated: 2023-09-15. Review status: criteria provided, single submitter. Criteria: ACMG Guidelines, 2015. Collection method: clinical testing. Allele origin: germline.